The following is an entry in ClinVar:

ClinVar aggregate classification (germline): Likely benign (1 of 4 stars; one submission).

Allele frequency attached by ClinVar (database versions not stated): 1000 Genomes Project 30x 0.00016; 1000 Genomes Project 0.00020; TOPMed 0.00045; gnomAD 0.00050; ExAC 0.00068; ESP Exome Variant Server 0.00078.
gnomAD v4.1: 1,201 of 1,614,004 alleles (0.074%); highest among the groups gnomAD compares: Non-Finnish European, 0.091%; 2 homozygotes.

Submission:

CeGaT Center for Human Genetics Tuebingen
Classification: Likely benign. Last evaluated: 2023-03-01. Review status: criteria provided, single submitter. Criteria: CeGaT Center For Human Genetics Tuebingen Variant Classification Criteria Version 2. Collection method: clinical testing. Allele origin: germline. Affected: yes. Observed: 1 variant allele.
Comment: ZNF253: BP4, BP7

NM_021047.3(ZNF253):c.306T>C (p.Tyr102=)

Gene: ZNF253 (zinc finger protein 253; plus strand). Cytogenetic location: 19p13.11.
Variant type: single nucleotide variant.
Coding change: c.306T>C on transcript NM_021047.3 (MANE Select); coding-DNA position 306, T replaced by C.
Protein change: p.Tyr102=; no amino-acid change (tyrosine 102 retained).
Molecular consequence: synonymous variant.
Genome position (GRCh38, 1-based): chr19:19,891,553, T>C. VCF-style: chr19-19891553-T-C. GRCh37 (hg19) VCF-style: chr19-20002362-T-C.
Other names: c.114T>C, p.Tyr38= (NM_001331133.1); c.78T>C, p.Tyr26= (NM_001331134.1).
Identifiers: ClinVar variation 2649614 (VCV002649614.24), dbSNP rs201141276, ClinGen allele CA9333112.